The following is an entry in ClinVar:

ClinVar aggregate classification (germline): Conflicting classifications of pathogenicity. Review status: criteria provided, conflicting classifications (1 of 4 stars). 6 submissions from 6 submitters: Uncertain significance (4); Likely benign (1). 1 of the submissions does not count toward it. Last evaluated 2025-08-07.

Conditions:
Hereditary cancer-predisposing syndrome. Also called: Tumor predisposition; Hereditary Cancer Syndrome; Neoplastic Syndromes, Hereditary; Hereditary neoplastic syndrome. Identifiers: Orphanet 140162, MedGen C0027672, MeSH D009386, MONDO:0015356.
Familial cancer of breast. Also called: BREAST CANCER, FAMILIAL; Hereditary breast cancer; hereditary breast carcinoma. Identifiers: Orphanet 227535, MedGen C0346153, MONDO:0016419, OMIM 114480. Disease mechanism: loss of function.
Ataxia-telangiectasia syndrome (AT). Also called: LOUIS-BAR SYNDROME; Cerebello-oculocutaneous telangiectasia; Immunodeficiency with ataxia telangiectasia; ATAXIA-TELANGIECTASIA, COMPLEMENTATION GROUP A; ATAXIA-TELANGIECTASIA, FRESNO VARIANT; Ataxia-telangiectasia. Identifiers: Orphanet 100, MedGen C0004135, MONDO:0008840, OMIM 208900.

Allele frequency attached by ClinVar (database versions not stated): TOPMed below 0.00001; gnomAD 0.00001; ExAC 0.00002; gnomAD exomes 0.00002 and below 0.00001.
gnomAD v4.1: 6 of 1,613,972 alleles (0.00037%); highest among the groups gnomAD compares: East Asian, 0.0089%; no homozygotes.

Submissions (6):

Labcorp Genetics (formerly Invitae), Labcorp
Classification: Uncertain significance for Ataxia-telangiectasia syndrome. Last evaluated: 2025-08-07. Review status: criteria provided, single submitter. Criteria: Invitae Variant Classification Sherloc (09022015). Collection method: clinical testing. Allele origin: germline.
Comment: This sequence change replaces aspartic acid, which is acidic and polar, with asparagine, which is neutral and polar, at codon 860 of the ATM protein (p.Asp860Asn). This variant is present in population databases (rs587779825, gnomAD 0.03%). This missense change has been observed in individual(s) with a personal and/or family history of breast and/or ovarian cancer (PMID: 29470806, 30287823). ClinVar contains an entry for this variant (Variation ID: 127354). Invitae Evidence Modeling of protein sequence and biophysical properties (such as structural, functional, and spatial information, amino acid conservation, physicochemical variation, residue mobility, and thermodynamic stability) indicates that this missense variant is not expected to disrupt ATM protein function with a negative predictive value of 95%. In summary, the available evidence is currently insufficient to determine the role of this variant in disease. Therefore, it has been classified as a Variant of Uncertain Significance.

Ambry Genetics
Classification: Likely benign for Hereditary cancer-predisposing syndrome. Last evaluated: 2025-07-03. Review status: criteria provided, single submitter. Criteria: Ambry Variant Classification Scheme 2023. Collection method: clinical testing. Allele origin: germline.

Baylor Genetics
Classification: Uncertain significance for Familial cancer of breast. Last evaluated: 2021-06-15. Review status: criteria provided, single submitter. Criteria: ACMG Guidelines, 2015. Collection method: clinical testing. Allele origin: unknown.

Color Diagnostics, LLC DBA Color Health
Classification: Uncertain significance for Hereditary cancer-predisposing syndrome. Last evaluated: 2019-04-04. Review status: criteria provided, single submitter. Criteria: ACMG Guidelines, 2015. Collection method: clinical testing. Allele origin: germline.

GeneDx
Classification: Uncertain significance. Last evaluated: 2014-02-06. Review status: criteria provided, single submitter. Criteria: GeneDx Variant Classification (06012015). Collection method: clinical testing. Allele origin: germline. Affected: yes.
Comment: This variant is denoted ATM c.2578G>A at the cDNA level, p.Asp860Asn (D860N) at the protein level, and results in the change of an Aspartic Acid to an Asparagine (GAT>AAT). This variant has not, to our knowledge, been published in the literature as pathogenic or benign. ATM Asp860Asn was not observed in approximately 6,500 individuals of European and African American ancestry in the NHLBI Exome Sequencing Project, indicating it is not a common benign variant in these populations. This variant is a semi-conservative substitution in which a negative polar amino acid is replaced with a neutral polar one, altering a position that is well conserved throughout evolution and is not located in a known functional domain. In silico analyses are inconsistent with regard to the effect this variant may have on protein structure and function. Based on the currently available information, we consider ATM Asp860Asn to be a variant of uncertain significance.

Natera, Inc.
Classification: Uncertain significance for Ataxia-telangiectasia. Last evaluated: 2020-12-29. Review status: no assertion criteria provided. Collection method: clinical testing. Allele origin: germline. Not counted in ClinVar's aggregate classification.

Literature cited by the submitters: PubMed 29470806 (cited by Labcorp Genetics (formerly Invitae), Labcorp and Ambry Genetics); PubMed 30287823 (cited by Labcorp Genetics (formerly Invitae), Labcorp and Ambry Genetics).

NM_000051.4(ATM):c.2578G>A (p.Asp860Asn)

Gene: ATM (ATM serine/threonine kinase; plus strand). Cytogenetic location: 11q22.3.
Variant type: single nucleotide variant.
Coding change: c.2578G>A on transcript NM_000051.4 (MANE Select); coding-DNA position 2578, G replaced by A.
Protein change: p.Asp860Asn; replaces aspartic acid 860 with asparagine.
Molecular consequence: missense variant.
Genome position (GRCh38, 1-based): chr11:108,267,282, G>A. VCF-style: chr11-108267282-G-A. GRCh37 (hg19) VCF-style: chr11-108138009-G-A.
Other names: p.D860N:GAT>AAT; c.2578G>A, p.Asp860Asn (NM_001351834.2); short protein forms D860N.
Identifiers: ClinVar variation 127354 (VCV000127354.21), dbSNP rs587779825, ClinGen allele CA286766.